The following is an entry in ClinVar:

NM_144997.7(FLCN):c.615C>G (p.Leu205=)

Gene: FLCN (folliculin; minus strand). Cytogenetic location: 17p11.2.
Variant type: single nucleotide variant.
Coding change: c.615C>G on transcript NM_144997.7 (MANE Select); coding-DNA position 615, C replaced by G.
Protein change: p.Leu205=; no amino-acid change (leucine 205 retained).
Molecular consequence: synonymous variant.
Genome position (GRCh38, 1-based): chr17:17,223,925, G>C on the plus strand (C>G on the coding strand, the complement: FLCN is on the minus strand). VCF-style: chr17-17223925-G-C. GRCh37 (hg19) VCF-style: chr17-17127239-G-C.
Other names: c.615C>G (LRG_325t1); c.669C>G, p.Leu223= (NM_001353229.2); c.615C>G, p.Leu205= (NM_001353230.2, NM_001353231.2, NM_144606.7).
Identifiers: ClinVar variation 460623 (VCV000460623.18), dbSNP rs1555610191, ClinGen allele CA498165965.

ClinVar aggregate classification (germline): Benign/Likely benign. Review status: criteria provided, multiple submitters, no conflicts (2 of 4 stars). 4 submissions from 4 submitters: Benign (1); Likely benign (2). 1 of the submissions does not count toward it. Last evaluated 2025-12-02.

Conditions:
FLCN-related disorder. Also called: FLCN-related condition.
Birt-Hogg-Dube syndrome 1 (BHD1). Also called: FIBROFOLLICULOMAS WITH TRICHODISCOMAS AND ACROCHORDONS. Identifiers: Orphanet 122, MedGen CN375946, MONDO:0800445, OMIM 135150.
Hereditary cancer-predisposing syndrome. Also called: Hereditary neoplastic syndrome; Neoplastic Syndromes, Hereditary; Tumor predisposition; Hereditary Cancer Syndrome. Identifiers: Orphanet 140162, MedGen C0027672, MeSH D009386, MONDO:0015356.
Birt-Hogg-Dube syndrome. Also called: Birt Hogg Dubé syndrome. Identifiers: Orphanet 122, MedGen C0346010, MONDO:0800444.

Submissions (4):

Labcorp Genetics (formerly Invitae), Labcorp
Classification: Likely benign for Birt-Hogg-Dube syndrome. Last evaluated: 2025-12-02. Review status: criteria provided, single submitter. Criteria: Invitae Variant Classification Sherloc (09022015). Collection method: clinical testing. Allele origin: germline.

Myriad Genetics, Inc.
Classification: Benign for Birt-Hogg-Dube syndrome 1. Last evaluated: 2024-10-23. Review status: criteria provided, single submitter. Criteria: Myriad Autosomal Dominant, Autosomal Recessive and X-Linked Classification Criteria (2023). Collection method: clinical testing. Allele origin: unknown.
Comment: This variant is considered benign. This variant is a silent/synonymous amino acid change and it is not expected to impact splicing.

Ambry Genetics
Classification: Likely benign for Hereditary cancer-predisposing syndrome. Last evaluated: 2018-11-09. Review status: criteria provided, single submitter. Criteria: Ambry Variant Classification Scheme 2023. Collection method: clinical testing. Allele origin: germline.

PreventionGenetics, part of Exact Sciences
Classification: Likely benign for FLCN-related condition. Last evaluated: 2022-11-18. Review status: no assertion criteria provided. Collection method: clinical testing. Allele origin: germline. Not counted in ClinVar's aggregate classification.
Comment: This variant is classified as likely benign based on ACMG/AMP sequence variant interpretation guidelines (Richards et al. 2015 PMID: 25741868, with internal and published modifications).